The following is an entry in ClinVar:

ClinVar aggregate classification (germline): Likely benign (0 of 4 stars; one submission).

Conditions:
SAGE1-related disorder. Also called: SAGE1-related condition.

Allele frequency attached by ClinVar (database versions not stated): gnomAD 0.00003; gnomAD exomes 0.00003; TOPMed 0.00007.
gnomAD v4.1: 36 of 1,208,451 alleles (0.003%); highest among the groups gnomAD compares: Middle Eastern, 0.046%; no homozygotes.

Submission:

PreventionGenetics, part of Exact Sciences
Classification: Likely benign for SAGE1-related condition. Last evaluated: 2019-03-04. Review status: no assertion criteria provided. Collection method: clinical testing. Allele origin: germline.
Comment: This variant is classified as likely benign based on ACMG/AMP sequence variant interpretation guidelines (Richards et al. 2015 PMID: 25741868, with internal and published modifications).

NM_001381902.1(SAGE1):c.1101A>G (p.Leu367=)

Gene: SAGE1 (sarcoma antigen 1; plus strand). Cytogenetic location: Xq26.3.
Variant type: single nucleotide variant.
Coding change: c.1101A>G on transcript NM_001381902.1 (MANE Select); coding-DNA position 1101, A replaced by G.
Protein change: p.Leu367=; no amino-acid change (leucine 367 retained).
Molecular consequence: synonymous variant.
Genome position (GRCh38, 1-based): chrX:135,907,783, A>G. VCF-style: chrX-135907783-A-G. GRCh37 (hg19) VCF-style: chrX-134989942-A-G.
Other names: c.1101A>G, p.Leu367= (NM_018666.3).
Identifiers: ClinVar variation 3046358 (VCV003046358.2), dbSNP rs782796308, ClinGen allele CA10524095.